The following is an entry in ClinVar:

NM_005428.4(VAV1):c.982G>A (p.Val328Met)

Gene: VAV1 (vav guanine nucleotide exchange factor 1; plus strand). Cytogenetic location: 19p13.3.
Variant type: single nucleotide variant.
Coding change: c.982G>A on transcript NM_005428.4 (MANE Select); coding-DNA position 982, G replaced by A.
Protein change: p.Val328Met; replaces valine 328 with methionine.
Molecular consequence: missense variant.
Genome position (GRCh38, 1-based): chr19:6,828,130, G>A. VCF-style: chr19-6828130-G-A. GRCh37 (hg19) VCF-style: chr19-6828141-G-A.
Other names: c.982G>A, p.Val328Met (NM_001258206.2); c.886G>A, p.Val296Met (NM_001258207.2); short protein forms V296M, V328M.
Identifiers: ClinVar variation 2757868 (VCV002757868.3), dbSNP rs2512369297, ClinGen allele CA403620403.

ClinVar aggregate classification (germline): Uncertain significance (1 of 4 stars; one submission).

Allele frequency attached by ClinVar (database versions not stated): gnomAD exomes 0.00001.

Submission:

Labcorp Genetics (formerly Invitae), Labcorp
Classification: Uncertain significance. Last evaluated: 2023-09-04. Review status: criteria provided, single submitter. Criteria: Invitae Variant Classification Sherloc (09022015). Collection method: clinical testing. Allele origin: germline.
Comment: This sequence change replaces valine, which is neutral and non-polar, with methionine, which is neutral and non-polar, at codon 328 of the VAV1 protein (p.Val328Met). This variant is not present in population databases (gnomAD no frequency). This variant has not been reported in the literature in individuals affected with VAV1-related conditions. An algorithm developed to predict the effect of missense changes on protein structure and function (PolyPhen-2) suggests that this variant is likely to be disruptive. In summary, the available evidence is currently insufficient to determine the role of this variant in disease. Therefore, it has been classified as a Variant of Uncertain Significance.